The following is an entry in ClinVar:

ClinVar aggregate classification (germline): Conflicting classifications of pathogenicity. Review status: criteria provided, conflicting classifications (1 of 4 stars). 3 submissions from 3 submitters: Uncertain significance (1); Likely benign (2). Last evaluated 2025-12-01.

Conditions:
Inborn genetic diseases. Identifiers: MedGen C0950123, MeSH D030342.
Autosomal dominant limb-girdle muscular dystrophy type 1D (DNAJB6) (LGMDD1). Also called: Autosomal dominant limb-girdle muscular dystrophy type 1D; Muscular dystrophy, limb-girdle, autosomal dominant 1; MUSCULAR DYSTROPHY, AUTOSOMAL DOMINANT, WITH RIMMED VACUOLES; MUSCULAR DYSTROPHY, LIMB-GIRDLE, TYPE 1D. Identifiers: Orphanet 34516, MedGen C4721885, MONDO:0021018, OMIM 603511.

Allele frequency attached by ClinVar (database versions not stated): gnomAD 0.00004; TOPMed 0.00005; ExAC 0.00006; ESP Exome Variant Server 0.00015.

Submissions (3):

Labcorp Genetics (formerly Invitae), Labcorp
Classification: Uncertain significance for Autosomal dominant limb-girdle muscular dystrophy type 1D (DNAJB6). Last evaluated: 2025-12-01. Review status: criteria provided, single submitter. Criteria: Invitae Variant Classification Sherloc (09022015). Collection method: clinical testing. Allele origin: germline.
Comment: This sequence change affects codon 22 of the DNAJB6 mRNA. It is a 'silent' change, meaning that it does not change the encoded amino acid sequence of the DNAJB6 protein. It affects a nucleotide within the consensus splice site. This variant is present in population databases (rs140662370, gnomAD 0.01%). This variant has not been reported in the literature in individuals affected with DNAJB6-related conditions. ClinVar contains an entry for this variant (Variation ID: 943547). Algorithms developed to predict the effect of sequence changes on RNA splicing suggest that this variant is not likely to affect RNA splicing. In summary, the available evidence is currently insufficient to determine the role of this variant in disease. Therefore, it has been classified as a Variant of Uncertain Significance.

CeGaT Center for Human Genetics Tuebingen
Classification: Likely benign. Last evaluated: 2025-06-01. Review status: criteria provided, single submitter. Criteria: CeGaT Center For Human Genetics Tuebingen Variant Classification Criteria Version 2. Collection method: clinical testing. Allele origin: germline. Affected: yes. Observed: 2 variant alleles.
Comment: DNAJB6: BP4, BP7

Ambry Genetics
Classification: Likely benign for Inborn genetic diseases. Last evaluated: 2025-04-29. Review status: criteria provided, single submitter. Criteria: Ambry Variant Classification Scheme 2023. Collection method: clinical testing. Allele origin: germline.

NM_058246.4(DNAJB6):c.66A>G (p.Ala22=)

Gene: DNAJB6 (DnaJ heat shock protein family (Hsp40) member B6; plus strand). Cytogenetic location: 7q36.3.
Variant type: single nucleotide variant.
Coding change: c.66A>G on transcript NM_058246.4 (MANE Select); coding-DNA position 66, A replaced by G.
Protein change: p.Ala22=; no amino-acid change (alanine 22 retained).
Molecular consequence: synonymous variant.
Genome position (GRCh38, 1-based): chr7:157,363,161, A>G. VCF-style: chr7-157363161-A-G. GRCh37 (hg19) VCF-style: chr7-157155855-A-G.
Other names: c.66A>G, p.Ala22= (NM_001363676.1, NM_005494.3).
Identifiers: ClinVar variation 943547 (VCV000943547.42), dbSNP rs140662370, ClinGen allele CA4590350.
Genomic context (GRCh38, chr7:157,363,161, plus strand): 5'-TCAAAAGCATAGTTGATTTCTGGATTTAGAATGTGATCTATATCCTTTATTCTTTCCAAG[A>G]TATCGGAAACTGGCACTGAAGTGGCATCCAGATAAAAATCCTGAGAATAAAGAAGAAGCA-3'
Protein context (NP_490647.1, residues 12-32): RHASPEDIKK[Ala22=]YRKLALKWHP